The following is an entry in ClinVar:

ClinVar aggregate classification (germline): Uncertain significance (1 of 4 stars; one submission).

Conditions:
Chuvash polycythemia. Also called: POLYCYTHEMIA, VHL-DEPENDENT. Identifiers: Orphanet 238557, MedGen C1837915, MONDO:0009892, OMIM 263400.
Von Hippel-Lindau syndrome (VHLS). Also called: VHL syndrome; von Hippel–Lindau syndrome; Von Hippel-Lindau. Identifiers: Orphanet 892, MedGen C0019562, MONDO:0008667, OMIM 193300. Disease mechanism: loss of function.

Submission:

Labcorp Genetics (formerly Invitae), Labcorp
Classification: Uncertain significance for Von Hippel-Lindau syndrome; Chuvash polycythemia. Last evaluated: 2024-11-11. Review status: criteria provided, single submitter. Criteria: Invitae Variant Classification Sherloc (09022015). Collection method: clinical testing. Allele origin: germline.
Comment: This variant occurs in a non-coding region of the VHL gene. It does not change the encoded amino acid sequence of the VHL protein. This variant is not present in population databases (gnomAD no frequency). This variant has not been reported in the literature in individuals affected with VHL-related conditions. Experimental studies and prediction algorithms are not available or were not evaluated, and the functional significance of this variant is currently unknown. In summary, the available evidence is currently insufficient to determine the role of this variant in disease. Therefore, it has been classified as a Variant of Uncertain Significance.

NM_000551.4(VHL):c.-57G>A

Gene: VHL (von Hippel-Lindau tumor suppressor; plus strand). Cytogenetic location: 3p25.3.
Variant type: single nucleotide variant.
Coding change: c.-57G>A on transcript NM_000551.4 (MANE Select); 57 bases upstream of the start codon, G replaced by A.
Molecular consequence: 5 prime UTR variant. On other transcripts: non-coding transcript variant (1).
Genome position (GRCh38, 1-based): chr3:10,141,791, G>A. VCF-style: chr3-10141791-G-A. GRCh37 (hg19) VCF-style: chr3-10183475-G-A.
Other names: c.-57G>A (NM_001354723.2, NM_198156.3).
Identifiers: ClinVar variation 3752367 (VCV003752367.2).